The following is an entry in ClinVar:

NM_022124.6(CDH23):c.3575_3576delinsGT (p.Val1192Gly)

Genes: C10orf105 (chromosome 10 open reading frame 105; minus strand), CDH23 (cadherin related 23; plus strand). Cytogenetic location: 10q22.1.
Variant type: Indel.
Coding change: c.3575_3576delinsGT on transcript NM_022124.6 (MANE Select); coding-DNA positions 3575 to 3576, TC replaced by GT.
Protein change: p.Val1192Gly; replaces valine 1192 with glycine.
Molecular consequence: missense variant. On other transcripts: intron variant (1).
Genome position (GRCh38, 1-based): chr10:71,725,516-71,725,517, TC replaced by GT. VCF-style: chr10-71725516-TC-GT. GRCh37 (hg19) VCF-style: chr10-73485273-TC-GT.
Other names: c.3575_3576delinsGT, p.Val1192Gly (NM_001171930.2); c.-5-9175_-5-9174delinsAC (NM_001168390.2); short protein forms V1192G.
Identifiers: ClinVar variation 504469 (VCV000504469.9), dbSNP rs1554862262, ClinGen allele CA658797436.

ClinVar aggregate classification (germline): Conflicting classifications of pathogenicity. Review status: criteria provided, conflicting classifications (1 of 4 stars). 2 submissions from 2 submitters: Likely pathogenic (1); Uncertain significance (1). Last evaluated 2022-04-12.

Submissions (2):

Labcorp Genetics (formerly Invitae), Labcorp
Classification: Uncertain significance. Last evaluated: 2022-04-12. Review status: criteria provided, single submitter. Criteria: Invitae Variant Classification Sherloc (09022015). Collection method: clinical testing. Allele origin: germline.
Comment: ClinVar contains an entry for this variant (Variation ID: 504469). This variant has not been reported in the literature in individuals affected with CDH23-related conditions. Information on the frequency of this variant in the gnomAD database is not available, as this variant may be reported differently in the database. This sequence change replaces valine, which is neutral and non-polar, with glycine, which is neutral and non-polar, at codon 1192 of the CDH23 protein (p.Val1192Gly). Experimental studies and prediction algorithms are not available or were not evaluated, and the functional significance of this variant is currently unknown. In summary, the available evidence is currently insufficient to determine the role of this variant in disease. Therefore, it has been classified as a Variant of Uncertain Significance.

GeneDx
Classification: Likely pathogenic. Last evaluated: 2018-06-15. Review status: criteria provided, single submitter. Criteria: GeneDx Variant Classification (06012015). Collection method: clinical testing. Allele origin: germline. Affected: yes.
Comment: The c.3575_3576delTCinsGT (V1192G) variant has not been published as a pathogenic variant, nor has it been reported as a benign variant to our knowledge. The variant is not observed in large population cohorts (Lek et al., 2016). V1192G is a conservative amino acid substitution, which is not likely to impact secondary protein structure as these residues share similar properties. Several in silico splice prediction models predict that c.3575_3576delTCinsGT creates a cryptic donor site which may supplant the natural donor site and lead to abnormal gene splicing. However, in the absence of RNA/functional studies, the actual effect of this sequence change in this individual is unknown. Based on the currently available information, we classify this variant as likely pathogenic.